The following is an entry in ClinVar:

NM_139318.5(KCNH5):c.2449A>G (p.Asn817Asp)

Gene: KCNH5 (potassium voltage-gated channel subfamily H member 5; minus strand). Cytogenetic location: 14q23.2.
Variant type: single nucleotide variant.
Coding change: c.2449A>G on transcript NM_139318.5 (MANE Select); coding-DNA position 2449, A replaced by G.
Protein change: p.Asn817Asp; replaces asparagine 817 with aspartic acid.
Molecular consequence: missense variant. On other transcripts: 3 prime UTR variant (1).
Genome position (GRCh38, 1-based): chr14:62,708,026, T>C on the plus strand (A>G on the coding strand, the complement: KCNH5 is on the minus strand). VCF-style: chr14-62708026-T-C. GRCh37 (hg19) VCF-style: chr14-63174744-T-C.
Other names: c.*416A>G (NM_172375.3); short protein forms N817D.
Identifiers: ClinVar variation 1720167 (VCV001720167.5), dbSNP rs752520236, ClinGen allele CA7217246.

ClinVar aggregate classification (germline): Uncertain significance (1 of 4 stars; one submission).

Conditions:
Early-infantile DEE. Also called: Early infantile epileptic encephalopathy with suppression bursts; Early infantile epileptic encephalopathy; Ohtahara syndrome. Identifiers: Orphanet 1934, MedGen C0393706, MONDO:0800491.

Allele frequency attached by ClinVar (database versions not stated): gnomAD exomes below 0.00001; ExAC 0.00001.
gnomAD v4.1: 6 of 1,614,230 alleles (0.00037%); highest among the groups gnomAD compares: South Asian, 0.0066%; no homozygotes.

Submission:

Labcorp Genetics (formerly Invitae), Labcorp
Classification: Uncertain significance for Early-infantile DEE. Last evaluated: 2022-09-23. Review status: criteria provided, single submitter. Criteria: Invitae Variant Classification Sherloc (09022015). Collection method: clinical testing. Allele origin: germline.
Comment: This variant has not been reported in the literature in individuals affected with KCNH5-related conditions. Advanced modeling of protein sequence and biophysical properties (such as structural, functional, and spatial information, amino acid conservation, physicochemical variation, residue mobility, and thermodynamic stability) performed at Invitae indicates that this missense variant is not expected to disrupt KCNH5 protein function. In summary, the available evidence is currently insufficient to determine the role of this variant in disease. Therefore, it has been classified as a Variant of Uncertain Significance. This sequence change replaces asparagine, which is neutral and polar, with aspartic acid, which is acidic and polar, at codon 817 of the KCNH5 protein (p.Asn817Asp). This variant is present in population databases (rs752520236, gnomAD 0.003%).